The following is an entry in ClinVar:

ClinVar aggregate classification (germline): Uncertain significance (1 of 4 stars; one submission).

Submission:

Labcorp Genetics (formerly Invitae), Labcorp
Classification: Uncertain significance. Last evaluated: 2023-03-18. Review status: criteria provided, single submitter. Criteria: Invitae Variant Classification Sherloc (09022015). Collection method: clinical testing. Allele origin: germline.
Comment: This variant has not been reported in the literature in individuals affected with AK7-related conditions. In summary, the available evidence is currently insufficient to determine the role of this variant in disease. Therefore, it has been classified as a Variant of Uncertain Significance. Algorithms developed to predict the effect of sequence changes on RNA splicing suggest that this variant may create or strengthen a splice site. This variant is not present in population databases (gnomAD no frequency). This sequence change falls in intron 1 of the AK7 gene. It does not directly change the encoded amino acid sequence of the AK7 protein.

NM_152327.5(AK7):c.106-7C>A

Gene: AK7 (adenylate kinase 7; plus strand). Cytogenetic location: 14q32.2.
Variant type: single nucleotide variant.
Coding change: c.106-7C>A on transcript NM_152327.5 (MANE Select); 7 bases into the intron before coding-DNA position 106, C replaced by A.
Molecular consequence: intron variant.
Genome position (GRCh38, 1-based): chr14:96,398,068, C>A. VCF-style: chr14-96398068-C-A. GRCh37 (hg19) VCF-style: chr14-96864405-C-A.
Other names: c.106-7C>A (NM_001350888.2, NM_001350890.2, NM_001350892.2 and 1 more transcripts).
Identifiers: ClinVar variation 2835592 (VCV002835592.3), dbSNP rs2504284891, ClinGen allele CA2739279801.